The following is an entry in ClinVar:

ClinVar aggregate classification (germline): Benign/Likely benign. Review status: criteria provided, multiple submitters, no conflicts (2 of 4 stars). 2 submissions from 2 submitters: Benign (1); Likely benign (1). Last evaluated 2025-05-17.

Allele frequency attached by ClinVar (database versions not stated): gnomAD 0.00004 and 0.00007; TOPMed 0.00006; 1000 Genomes Project 30x 0.00062; 1000 Genomes Project 0.00080.

Submissions (2):

Labcorp Genetics (formerly Invitae), Labcorp
Classification: Benign. Last evaluated: 2025-05-17. Review status: criteria provided, single submitter. Criteria: Invitae Variant Classification Sherloc (09022015). Collection method: clinical testing. Allele origin: germline.

CeGaT Center for Human Genetics Tuebingen
Classification: Likely benign. Last evaluated: 2024-10-01. Review status: criteria provided, single submitter. Criteria: CeGaT Center For Human Genetics Tuebingen Variant Classification Criteria Version 2. Collection method: clinical testing. Allele origin: germline. Affected: yes. Observed: 1 variant allele.
Comment: SON: BP4

NM_138927.4(SON):c.3914T>C (p.Met1305Thr)

Gene: SON (SON DNA and RNA binding protein; plus strand). Cytogenetic location: 21q22.11.
Variant type: single nucleotide variant.
Coding change: c.3914T>C on transcript NM_138927.4 (MANE Select); coding-DNA position 3914, T replaced by C.
Protein change: p.Met1305Thr; replaces methionine 1305 with threonine.
Molecular consequence: missense variant. On other transcripts: non-coding transcript variant (1), intron variant (1).
Genome position (GRCh38, 1-based): chr21:33,553,145, T>C. VCF-style: chr21-33553145-T-C. GRCh37 (hg19) VCF-style: chr21-34925451-T-C.
Other names: c.3914T>C, p.Met1305Thr (NM_001291411.2, NM_032195.3); c.245-4011T>C (NM_001291412.3); short protein forms M1305T.
Identifiers: ClinVar variation 1531939 (VCV001531939.23), dbSNP rs146846126, ClinGen allele CA10009398.